The following is an entry in ClinVar:

NM_000059.4(BRCA2):c.9470A>C (p.Glu3157Ala)

Gene: BRCA2 (BRCA2 DNA repair associated; plus strand). Cytogenetic location: 13q13.1.
Variant type: single nucleotide variant.
Coding change: c.9470A>C on transcript NM_000059.4 (MANE Select); coding-DNA position 9470, A replaced by C.
Protein change: p.Glu3157Ala; replaces glutamic acid 3157 with alanine.
Molecular consequence: missense variant.
Genome position (GRCh38, 1-based): chr13:32,394,902, A>C. VCF-style: chr13-32394902-A-C. GRCh37 (hg19) VCF-style: chr13-32969039-A-C.
Other names: c.9374A>C, p.Glu3125Ala (NM_001406719.1); c.9419A>C, p.Glu3140Ala (NM_001406720.1); c.4538A>C, p.Glu1513Ala (NM_001406721.1); c.3053A>C, p.Glu1018Ala (NM_001406722.1); short protein forms E1018A, E1513A, E3125A, E3157A, E3140A.
Identifiers: ClinVar variation 2014460 (VCV002014460.4), dbSNP rs2137654362, ClinGen allele CA387761747.

ClinVar aggregate classification (germline): Uncertain significance (1 of 4 stars; one submission).

Conditions:
Hereditary breast ovarian cancer syndrome. Also called: Hereditary breast and/or ovarian cancer syndrome; Hereditary breast and ovarian cancer syndrome; BRCA1- and BRCA2-Associated Hereditary Breast and Ovarian Cancer; Breast and ovarian cancer; Hereditary breast and ovarian cancer; Hereditary breast and ovarian cancer syndrome (HBOC). Identifiers: Orphanet 145, MedGen C0677776, MeSH D061325, MONDO:0003582. Disease mechanism: loss of function.

Submission:

Labcorp Genetics (formerly Invitae), Labcorp
Classification: Uncertain significance for Hereditary breast ovarian cancer syndrome. Last evaluated: 2022-09-07. Review status: criteria provided, single submitter. Criteria: Invitae Variant Classification Sherloc (09022015). Collection method: clinical testing. Allele origin: germline.
Comment: This variant is not present in population databases (gnomAD no frequency). This sequence change replaces glutamic acid, which is acidic and polar, with alanine, which is neutral and non-polar, at codon 3157 of the BRCA2 protein (p.Glu3157Ala). This variant has not been reported in the literature in individuals affected with BRCA2-related conditions. Advanced modeling of protein sequence and biophysical properties (such as structural, functional, and spatial information, amino acid conservation, physicochemical variation, residue mobility, and thermodynamic stability) performed at Invitae indicates that this missense variant is not expected to disrupt BRCA2 protein function. In summary, the available evidence is currently insufficient to determine the role of this variant in disease. Therefore, it has been classified as a Variant of Uncertain Significance.